The following is an entry in ClinVar:

NM_000352.6(ABCC8):c.50T>C (p.Val17Ala)

Gene: ABCC8 (ATP binding cassette subfamily C member 8; minus strand). Cytogenetic location: 11p15.1.
Variant type: single nucleotide variant.
Coding change: c.50T>C on transcript NM_000352.6 (MANE Select); coding-DNA position 50, T replaced by C.
Protein change: p.Val17Ala; replaces valine 17 with alanine.
Molecular consequence: missense variant. On other transcripts: non-coding transcript variant (1).
Genome position (GRCh38, 1-based): chr11:17,476,727, A>G on the plus strand (T>C on the coding strand, the complement: ABCC8 is on the minus strand). VCF-style: chr11-17476727-A-G. GRCh37 (hg19) VCF-style: chr11-17498274-A-G.
Other names: NM_000352.6(ABCC8):c.50T>C; p.Val17Ala; c.50T>C, p.Val17Ala (NM_001287174.3, NM_001351295.2, NM_001351296.2 and 1 more transcripts); short protein forms V17A.
Identifiers: ClinVar variation 1338534 (VCV001338534.7), dbSNP rs764950519, ClinGen allele CA5903995.

ClinVar aggregate classification (germline): Conflicting classifications of pathogenicity. Review status: criteria provided, conflicting classifications (1 of 4 stars). 4 submissions from 4 submitters: Likely pathogenic (3); Uncertain significance (1). Last evaluated 2025-12-30.

Conditions:
Hyperinsulinemic hypoglycemia, familial, 1 (HHF1). Also called: Persistent hyperinsulinemic hypoglycemia of infancy; HYPERINSULINISM, FAMILIAL, WITH PANCREATIC NESIDIOBLASTOSIS; HYPOGLYCEMIA, HYPERINSULINEMIC, OF INFANCY; NESIDIOBLASTOSIS OF PANCREAS; Persistent Hyperinsulinemia Hypoglycemia of Infancy. Identifiers: Orphanet 276575, Orphanet 276598, MedGen C2931832, MONDO:0009734, OMIM 256450.
Type 2 diabetes mellitus. Also called: Type II diabetes mellitus. Identifiers: MedGen C0011860, MeSH D003924, MONDO:0005148, OMIM 125853, HP:0005978.

Allele frequency attached by ClinVar (database versions not stated): gnomAD exomes below 0.00001 and 0.00001; ExAC 0.00001.
gnomAD v4.1: 3 of 1,606,740 alleles (0.00019%); highest among the groups gnomAD compares: Non-Finnish European, 0.00025%; no homozygotes.

Submissions (4):

Myriad Genetics, Inc.
Classification: Likely pathogenic for Hyperinsulinemic hypoglycemia, familial, 1. Last evaluated: 2025-12-30. Review status: criteria provided, single submitter. Criteria: Myriad Autosomal Dominant, Autosomal Recessive and X-Linked Classification Criteria (2023). Collection method: clinical testing. Allele origin: unknown.
Comment: NM_000352.3(ABCC8):c.50T>C(V17A) is a missense variant classified as likely pathogenic in the context of familial hyperinsulinism, ABCC8-related. V17A has been observed in cases with relevant disease (PMID: 24401662, 36339418, Putarek_2013_Abstract, Stanik_2015_Poster). Relevant functional assessments of this variant are not available in the literature. V17A has not been observed in referenced population frequency databases. In summary, NM_000352.3(ABCC8):c.50T>C(V17A) is a missense variant that has been observed more frequently in cases with the relevant disease than in healthy populations. Please note: this variant was assessed in the context of healthy population screening.

Baylor Genetics
Classification: Likely pathogenic for Type 2 diabetes mellitus. Last evaluated: 2023-08-22. Review status: criteria provided, single submitter. Criteria: ACMG Guidelines, 2015. Collection method: clinical testing. Allele origin: unknown.

Broad Center for Mendelian Genomics, Broad Institute of MIT and Harvard
Classification: Uncertain significance for Hyperinsulinemic hypoglycemia, familial, 1. Last evaluated: 2023-08-16. Review status: criteria provided, single submitter. Criteria: ACMG Guidelines, 2015. Collection method: curation. Allele origin: germline. Inheritance: Autosomal recessive inheritance.
Comment: The p.Val17Ala variant in ABCC8 has been reported in three affected individuals with hyperinsulinemic hypoglycemia (PMID: 18493152, 24401662, 36339418, Stanik 2015 [Poster]), and has been identified in 0.001% (1/104694) of European (Non-Finnish) chromosomes by the Genome Aggregation Database (gnomAD; dbSNP rs764950519). Although this variant has been seen in the general population in a heterozygous state, its frequency is low enough to be consistent with a recessive carrier frequency. This variant has also been reported in ClinVar (Variation ID: 1338534) and has been interpreted as likely pathogenic by the Genetic Services Laboratory (University of Chicago). Of the 3 affected individuals, 2 were compound heterozygotes that carried reported pathogenic variants in trans, which increases the likelihood that the p.Val17Ala variant is pathogenic (Variation ID: 1459956; PMID: 18493152, 24401662, 36339418). Computational prediction tools and conservation analyses do not provide strong support for or against an impact to the protein. In summary, while there is some suspicion for a pathogenic role, the clinical significance of the p.Val17Ala variant is uncertain. ACMG/AMP Criteria applied: PM3_strong, PM2_supporting (Richards 2015).

Genetic Services Laboratory, University of Chicago
Classification: Likely pathogenic. Last evaluated: 2019-07-12. Review status: criteria provided, single submitter. Criteria: ACMG Guidelines, 2015. Collection method: clinical testing. Allele origin: germline. Affected: yes.